The following is an entry in ClinVar:

NM_133261.3(GIPC3):c.50C>G (p.Ala17Gly)

Gene: GIPC3 (GIPC PDZ domain containing family member 3; plus strand). Cytogenetic location: 19p13.3.
Variant type: single nucleotide variant.
Coding change: c.50C>G on transcript NM_133261.3 (MANE Select); coding-DNA position 50, C replaced by G.
Protein change: p.Ala17Gly; replaces alanine 17 with glycine.
Molecular consequence: missense variant.
Genome position (GRCh38, 1-based): chr19:3,585,647, C>G. VCF-style: chr19-3585647-C-G. GRCh37 (hg19) VCF-style: chr19-3585645-C-G.
Other names: short protein forms A17G.
Identifiers: ClinVar variation 228698 (VCV000228698.11), dbSNP rs876657815, ClinGen allele CA10577095.

ClinVar aggregate classification (germline): Uncertain significance. Review status: criteria provided, multiple submitters, no conflicts (2 of 4 stars). 4 submissions from 4 submitters: Uncertain significance (4). Last evaluated 2026-01-07.

Conditions:
Inborn genetic diseases. Identifiers: MedGen C0950123, MeSH D030342.

Allele frequency attached by ClinVar (database versions not stated): TOPMed 0.00009; gnomAD 0.00014.
gnomAD v4.1: 53 of 1,206,654 alleles (0.0044%); highest among the groups gnomAD compares: Middle Eastern, 0.065%; no homozygotes.

Submissions (4):

GeneDx
Classification: Uncertain significance. Last evaluated: 2026-01-07. Review status: criteria provided, single submitter. Criteria: GeneDx Variant Classification Process June 2021. Collection method: clinical testing. Allele origin: germline.
Comment: In silico analysis suggests that this missense variant does not alter protein structure/function; Has not been previously published as pathogenic or benign to our knowledge

Ambry Genetics
Classification: Uncertain significance for Inborn genetic diseases. Last evaluated: 2024-08-14. Review status: criteria provided, single submitter. Criteria: Ambry Variant Classification Scheme 2023. Collection method: clinical testing. Allele origin: germline.

Labcorp Genetics (formerly Invitae), Labcorp
Classification: Uncertain significance. Last evaluated: 2022-09-01. Review status: criteria provided, single submitter. Criteria: Invitae Variant Classification Sherloc (09022015). Collection method: clinical testing. Allele origin: germline.
Comment: In summary, the available evidence is currently insufficient to determine the role of this variant in disease. Therefore, it has been classified as a Variant of Uncertain Significance. This sequence change replaces alanine, which is neutral and non-polar, with glycine, which is neutral and non-polar, at codon 17 of the GIPC3 protein (p.Ala17Gly). The frequency data for this variant in the population databases is considered unreliable, as metrics indicate poor data quality at this position in the gnomAD database. This variant has not been reported in the literature in individuals affected with GIPC3-related conditions. ClinVar contains an entry for this variant (Variation ID: 228698). Algorithms developed to predict the effect of missense changes on protein structure and function are either unavailable or do not agree on the potential impact of this missense change (SIFT: "Tolerated"; PolyPhen-2: "Not Available"; Align-GVGD: "Class C0").

Laboratory for Molecular Medicine, Mass General Brigham Personalized Medicine
Classification: Uncertain significance. Last evaluated: 2015-05-04. Review status: criteria provided, single submitter. Criteria: LMM Criteria. Collection method: clinical testing. Allele origin: germline. Observed: 2 variant alleles.
Comment: Variant classified as Uncertain Significance - Favor Benign. The p.Ala17Gly vari ant in GIPC3 has not been previously reported in individuals with hearing loss a nd was absent from large population studies. Computational prediction tools and conservation analyses suggest that the p.Ala17Gly variant may not impact the pro tein, though this information is not predictive enough to rule out pathogenicity . In summary, while the clinical significance of the p.Ala17Gly variant is unce rtain, conservation and computational data suggest that it is more likely to be benign.